The following is an entry in ClinVar:

NM_139281.3(WDR36):c.269C>T (p.Ser90Phe)

Gene: WDR36 (WD repeat domain 36; plus strand). Cytogenetic location: 5q22.1.
Variant type: single nucleotide variant.
Coding change: c.269C>T on transcript NM_139281.3 (MANE Select); coding-DNA position 269, C replaced by T.
Protein change: p.Ser90Phe; replaces serine 90 with phenylalanine.
Molecular consequence: missense variant.
Genome position (GRCh38, 1-based): chr5:111,097,157, C>T. VCF-style: chr5-111097157-C-T. GRCh37 (hg19) VCF-style: chr5-110432855-C-T.
Other names: short protein forms S90F.
Identifiers: ClinVar variation 4086357 (VCV004086357.1).

ClinVar aggregate classification (germline): Uncertain significance (1 of 4 stars; one submission).

gnomAD v4.1: 4 of 1,613,286 alleles (0.00025%); highest among the groups gnomAD compares: African/African-American, 0.004%; no homozygotes.

Submission:

GeneDx
Classification: Uncertain significance. Last evaluated: 2025-03-19. Review status: criteria provided, single submitter. Criteria: GeneDx Variant Classification Process June 2021. Collection method: clinical testing. Allele origin: germline. Affected: yes.
Comment: Not observed at significant frequency in large population cohorts (gnomAD); In silico analysis indicates that this missense variant does not alter protein structure/function; Has not been previously published as pathogenic or benign to our knowledge